The following is an entry in ClinVar:

ClinVar aggregate classification (germline): Likely benign. Review status: criteria provided, single submitter (1 of 4 stars). 2 submissions from 2 submitters: Likely benign (1). 1 of the submissions does not count toward it. Last evaluated 2018-05-10.

Submissions (2):

GeneDx
Classification: Likely benign. Last evaluated: 2018-05-10. Review status: criteria provided, single submitter. Criteria: GeneDx Variant Classification (06012015). Collection method: clinical testing. Allele origin: germline. Affected: yes.
Comment: This variant is considered likely benign or benign based on one or more of the following criteria: it is a conservative change, it occurs at a poorly conserved position in the protein, it is predicted to be benign by multiple in silico algorithms, and/or has population frequency not consistent with disease.

Eurofins Ntd Llc (ga)
Classification: Uncertain significance. Review status: no assertion criteria provided. Collection method: clinical testing. Allele origin: germline. Observed: 1 variant allele, 1 homozygote. Not counted in ClinVar's aggregate classification.

Literature cited by the submitters: PubMed 23757202 (cited by Eurofins Ntd Llc (ga)).

NM_004006.3(DMD):c.-29dup

Gene: DMD (dystrophin; minus strand). Cytogenetic location: Xp21.1.
Variant type: Duplication.
Coding change: c.-29dup on transcript NM_004006.3 (MANE Select); 29 bases upstream of the start codon, one base duplicated (T; older notation c.-29dupT).
Molecular consequence: 5 prime UTR variant. On other transcripts: intron variant (1).
Genome position (GRCh38, 1-based): chrX:33,211,341, A duplicated on the plus strand (T on the coding strand, the reverse complement: DMD is on the minus strand); the first of 8 consecutive A bases (chrX:33,211,341-33,211,348); duplicating any one gives the same sequence. VCF-style (leftmost placement, unchanged base first): chrX-33211340-T-TA. GRCh37 (hg19) VCF-style: chrX-33229457-T-TA.
Other names: c.7+127918dup (NM_000109.4); c.-29dupT (NM_004006.2).
Identifiers: ClinVar variation 94413 (VCV000094413.6), dbSNP rs398123823, ClinGen allele CA222262.